The following is an entry in ClinVar:

NM_024675.4(PALB2):c.49-3C>T

Gene: PALB2 (partner and localizer of BRCA2; minus strand). Cytogenetic location: 16p12.2.
Variant type: single nucleotide variant.
Coding change: c.49-3C>T on transcript NM_024675.4 (MANE Select); 3 bases into the intron before coding-DNA position 49, C replaced by T.
Molecular consequence: intron variant.
Genome position (GRCh38, 1-based): chr16:23,638,132, G>A on the plus strand (C>T on the coding strand, the complement: PALB2 is on the minus strand). VCF-style: chr16-23638132-G-A. GRCh37 (hg19) VCF-style: chr16-23649453-G-A.
Identifiers: ClinVar variation 1744261 (VCV001744261.7), dbSNP rs2506541178, ClinGen allele CA2580091397.

ClinVar aggregate classification (germline): Uncertain significance. Review status: criteria provided, multiple submitters, no conflicts (2 of 4 stars). 2 submissions from 2 submitters: Uncertain significance (2). Last evaluated 2024-11-03.

Conditions:
Hereditary cancer-predisposing syndrome. Also called: Hereditary Cancer Syndrome; Neoplastic Syndromes, Hereditary; Tumor predisposition; Hereditary neoplastic syndrome. Identifiers: Orphanet 140162, MedGen C0027672, MeSH D009386, MONDO:0015356.
Familial cancer of breast. Also called: BREAST CANCER, FAMILIAL; Hereditary breast cancer; hereditary breast carcinoma. Identifiers: Orphanet 227535, MedGen C0346153, MONDO:0016419, OMIM 114480. Disease mechanism: loss of function.

Submissions (2):

Labcorp Genetics (formerly Invitae), Labcorp
Classification: Uncertain significance for Familial cancer of breast. Last evaluated: 2024-11-03. Review status: criteria provided, single submitter. Criteria: Invitae Variant Classification Sherloc (09022015). Collection method: clinical testing. Allele origin: germline.
Comment: This sequence change falls in intron 1 of the PALB2 gene. It does not directly change the encoded amino acid sequence of the PALB2 protein. It affects a nucleotide within the consensus splice site. This variant is not present in population databases (gnomAD no frequency). This variant has not been reported in the literature in individuals affected with PALB2-related conditions. ClinVar contains an entry for this variant (Variation ID: 1744261). Variants that disrupt the consensus splice site are a relatively common cause of aberrant splicing (PMID: 17576681, 9536098). Algorithms developed to predict the effect of sequence changes on RNA splicing suggest that this variant is not likely to affect RNA splicing. In summary, the available evidence is currently insufficient to determine the role of this variant in disease. Therefore, it has been classified as a Variant of Uncertain Significance.

Ambry Genetics
Classification: Uncertain significance for Hereditary cancer-predisposing syndrome. Last evaluated: 2024-02-16. Review status: criteria provided, single submitter. Criteria: Ambry Variant Classification Scheme 2023. Collection method: clinical testing. Allele origin: germline.
Comment: The c.49-3C>T intronic variant results from a C to T substitution 3 nucleotides upstream from coding exon 2 in the PALB2 gene. This nucleotide position is highly conserved in available vertebrate species. In silico splice site analysis predicts that this alteration will not have any significant effect on splicing. Since supporting evidence is limited at this time, the clinical significance of this alteration remains unclear.

Literature cited by the submitters: PubMed 17576681 (cited by Labcorp Genetics (formerly Invitae), Labcorp); PubMed 9536098 (cited by Labcorp Genetics (formerly Invitae), Labcorp).